The following is an entry in ClinVar:

ClinVar aggregate classification (germline): Uncertain significance. Review status: criteria provided, multiple submitters, no conflicts (2 of 4 stars). 3 submissions from 3 submitters: Uncertain significance (3). Last evaluated 2024-11-12.

Conditions:
Inborn genetic diseases. Identifiers: MedGen C0950123, MeSH D030342.

Allele frequency attached by ClinVar (database versions not stated): gnomAD 0.00001; ExAC 0.00002; TOPMed 0.00003; gnomAD exomes 0.00005.
gnomAD v4.1: 81 of 1,613,978 alleles (0.005%); highest among the groups gnomAD compares: Non-Finnish European, 0.0066%; no homozygotes.

Submissions (3):

Labcorp Genetics (formerly Invitae), Labcorp
Classification: Uncertain significance. Last evaluated: 2024-11-12. Review status: criteria provided, single submitter. Criteria: Invitae Variant Classification Sherloc (09022015). Collection method: clinical testing. Allele origin: germline.
Comment: This sequence change replaces glutamine, which is neutral and polar, with lysine, which is basic and polar, at codon 209 of the TAB2 protein (p.Gln209Lys). This variant is present in population databases (rs773484017, gnomAD 0.004%). This variant has not been reported in the literature in individuals affected with TAB2-related conditions. ClinVar contains an entry for this variant (Variation ID: 2550589). Invitae Evidence Modeling of protein sequence and biophysical properties (such as structural, functional, and spatial information, amino acid conservation, physicochemical variation, residue mobility, and thermodynamic stability) indicates that this missense variant is not expected to disrupt TAB2 protein function with a negative predictive value of 80%. In summary, the available evidence is currently insufficient to determine the role of this variant in disease. Therefore, it has been classified as a Variant of Uncertain Significance.

Ambry Genetics
Classification: Uncertain significance for Inborn genetic diseases. Last evaluated: 2023-05-23. Review status: criteria provided, single submitter. Criteria: Ambry Variant Classification Scheme 2023. Collection method: clinical testing. Allele origin: germline.

Blueprint Genetics
Classification: Uncertain significance. Last evaluated: 2022-11-21. Review status: criteria provided, single submitter. Criteria: ACMG Guidelines, 2015. Collection method: clinical testing. Allele origin: germline.

NM_001292034.3(TAB2):c.625C>A (p.Gln209Lys)

Gene: TAB2 (TGF-beta activated kinase 1 (MAP3K7) binding protein 2; plus strand). Cytogenetic location: 6q25.1.
Variant type: single nucleotide variant.
Coding change: c.625C>A on transcript NM_001292034.3 (MANE Select); coding-DNA position 625, C replaced by A.
Protein change: p.Gln209Lys; replaces glutamine 209 with lysine.
Molecular consequence: missense variant.
Genome position (GRCh38, 1-based): chr6:149,378,540, C>A. VCF-style: chr6-149378540-C-A. GRCh37 (hg19) VCF-style: chr6-149699676-C-A.
Other names: c.529C>A, p.Gln177Lys (NM_001292035.3); c.625C>A, p.Gln209Lys (NM_001369506.1, NM_015093.6); short protein forms Q177K, Q209K.
Identifiers: ClinVar variation 2550589 (VCV002550589.6), dbSNP rs773484017, ClinGen allele CA4041428.
Genomic context (GRCh38, chr6:149,378,540, plus strand): 5'-CGTAATACTCCTACATCTTTGCACATACATGGTGTACCTCCACCTGTACTTAACAGTCCA[C>A]AGGGAAATTCTATCTATATTAGGCCTTACATTACAACTCCTGGTGGTACAACTCGACAGA-3'
Protein context (NP_001278963.1, residues 199-219): GVPPPVLNSP[Gln209Lys]GNSIYIRPYI